The following is an entry in ClinVar:

NM_000138.5(FBN1):c.6304G>T (p.Glu2102Ter)

Gene: FBN1 (fibrillin 1; minus strand). Cytogenetic location: 15q21.1.
Variant type: single nucleotide variant.
Coding change: c.6304G>T on transcript NM_000138.5 (MANE Select); coding-DNA position 6304, G replaced by T.
Protein change: p.Glu2102Ter; replaces glutamic acid 2102 with a stop codon.
Molecular consequence: nonsense.
Genome position (GRCh38, 1-based): chr15:48,437,777, C>A on the plus strand (G>T on the coding strand, the complement: FBN1 is on the minus strand). VCF-style: chr15-48437777-C-A. GRCh37 (hg19) VCF-style: chr15-48729974-C-A.
Other names: c.6304G>T, p.Glu2102Ter (NM_001406716.1); short protein forms E2102*.
Identifiers: ClinVar variation 3277942 (VCV003277942.1).

ClinVar aggregate classification (germline): Pathogenic (1 of 4 stars; one submission).

Conditions:
Familial thoracic aortic aneurysm and aortic dissection (TAAD). Also called: Thoracic aortic aneurysms and dissections. Identifiers: Orphanet 91387, MedGen C4707243, MONDO:0019625.

Submission:

Ambry Genetics
Classification: Pathogenic for Familial thoracic aortic aneurysm and aortic dissection. Last evaluated: 2024-03-19. Review status: criteria provided, single submitter. Criteria: Ambry Variant Classification Scheme 2023. Collection method: clinical testing. Allele origin: germline.
Comment: The p.E2102* pathogenic mutation (also known as c.6304G>T), located in coding exon 50 of the FBN1 gene, results from a G to T substitution at nucleotide position 6304. This changes the amino acid from a glutamic acid to a stop codon within coding exon 50. This variant is considered to be rare based on population cohorts in the Genome Aggregation Database (gnomAD). This alteration is expected to result in loss of function by premature protein truncation or nonsense-mediated mRNA decay. As such, this alteration is interpreted as a disease-causing mutation.